The following is an entry in ClinVar:

NM_032806.6(POMGNT2):c.14C>A (p.Ala5Glu)

Gene: POMGNT2 (protein O-linked mannose N-acetylglucosaminyltransferase 2 (beta 1,4-); minus strand). Cytogenetic location: 3p22.1.
Variant type: single nucleotide variant.
Coding change: c.14C>A on transcript NM_032806.6 (MANE Select); coding-DNA position 14, C replaced by A.
Protein change: p.Ala5Glu; replaces alanine 5 with glutamic acid.
Molecular consequence: missense variant.
Genome position (GRCh38, 1-based): chr3:43,081,418, G>T on the plus strand (C>A on the coding strand, the complement: POMGNT2 is on the minus strand). VCF-style: chr3-43081418-G-T. GRCh37 (hg19) VCF-style: chr3-43122910-G-T.
Other names: short protein forms A5E.
Identifiers: ClinVar variation 2078927 (VCV002078927.3), dbSNP rs554958082, ClinGen allele CA352304110.

ClinVar aggregate classification (germline): Uncertain significance (1 of 4 stars; one submission).

Conditions:
Muscular dystrophy-dystroglycanopathy (congenital with brain and eye anomalies), type a, 8 (MDDGA8). Also called: WALKER-WARBURG SYNDROME OR MUSCLE-EYE-BRAIN DISEASE, GTDC2-RELATED. Identifiers: Orphanet 899, MedGen C3553813, MONDO:0013904, OMIM 614830.

gnomAD v4.1: 3 of 1,570,288 alleles (0.00019%); highest among the groups gnomAD compares: Admixed American, 0.0054%; no homozygotes.

Submission:

Labcorp Genetics (formerly Invitae), Labcorp
Classification: Uncertain significance for Muscular dystrophy-dystroglycanopathy (congenital with brain and eye anomalies), type a, 8. Last evaluated: 2024-12-08. Review status: criteria provided, single submitter. Criteria: Invitae Variant Classification Sherloc (09022015). Collection method: clinical testing. Allele origin: germline.
Comment: This sequence change replaces alanine, which is neutral and non-polar, with glutamic acid, which is acidic and polar, at codon 5 of the POMGNT2 protein (p.Ala5Glu). This variant is present in population databases (no rsID available, gnomAD 0.01%). This variant has not been reported in the literature in individuals affected with POMGNT2-related conditions. ClinVar contains an entry for this variant (Variation ID: 2078927). Experimental studies and prediction algorithms are not available or were not evaluated, and the functional significance of this variant is currently unknown. In summary, the available evidence is currently insufficient to determine the role of this variant in disease. Therefore, it has been classified as a Variant of Uncertain Significance.